The following is an entry in ClinVar:

NM_001458.5(FLNC):c.6402G>A (p.Met2134Ile)

Genes: FLNC (filamin C; plus strand), FLNC-AS1 (FLNC antisense RNA 1; minus strand). Cytogenetic location: 7q32.1.
Variant type: single nucleotide variant.
Coding change: c.6402G>A on transcript NM_001458.5 (MANE Select); coding-DNA position 6402, G replaced by A.
Protein change: p.Met2134Ile; replaces methionine 2134 with isoleucine.
Molecular consequence: missense variant.
Genome position (GRCh38, 1-based): chr7:128,853,755, G>A. VCF-style: chr7-128853755-G-A. GRCh37 (hg19) VCF-style: chr7-128493809-G-A.
Other names: c.6303G>A, p.Met2101Ile (NM_001127487.2); short protein forms M2101I, M2134I.
Identifiers: ClinVar variation 3762118 (VCV003762118.2).

ClinVar aggregate classification (germline): Uncertain significance (1 of 4 stars; one submission).

Conditions:
Hypertrophic cardiomyopathy 26. Also called: Cardiomyopathy, familial hypertrophic, 26. Identifiers: Orphanet 75249, MedGen C4310749, MONDO:0014883, OMIM 617047.
Distal myopathy with posterior leg and anterior hand involvement. Also called: WILLIAMS DISTAL MYOPATHY. Identifiers: Orphanet 63273, MedGen C3279722, MONDO:0013550, OMIM 614065.
Myofibrillar myopathy 5. Also called: Filaminopathy (type); FILAMINOPATHY, AUTOSOMAL DOMINANT. Identifiers: Orphanet 171445, MedGen C1836050, MONDO:0012289, OMIM 609524.

gnomAD v4.1: 5 of 1,613,896 alleles (0.00031%); highest among the groups gnomAD compares: Non-Finnish European, 0.00042%; no homozygotes.

Submission:

Labcorp Genetics (formerly Invitae), Labcorp
Classification: Uncertain significance for Distal myopathy with posterior leg and anterior hand involvement; Myofibrillar myopathy 5; Hypertrophic cardiomyopathy 26. Last evaluated: 2024-04-24. Review status: criteria provided, single submitter. Criteria: Invitae Variant Classification Sherloc (09022015). Collection method: clinical testing. Allele origin: germline.
Comment: This sequence change replaces methionine, which is neutral and non-polar, with isoleucine, which is neutral and non-polar, at codon 2134 of the FLNC protein (p.Met2134Ile). This variant is not present in population databases (gnomAD no frequency). This variant has not been reported in the literature in individuals affected with FLNC-related conditions. Advanced modeling of protein sequence and biophysical properties (such as structural, functional, and spatial information, amino acid conservation, physicochemical variation, residue mobility, and thermodynamic stability) has been performed at Invitae for this missense variant, however the output from this modeling did not meet the statistical confidence thresholds required to predict the impact of this variant on FLNC protein function. In summary, the available evidence is currently insufficient to determine the role of this variant in disease. Therefore, it has been classified as a Variant of Uncertain Significance.